The following is an entry in ClinVar:

ClinVar aggregate classification (germline): Conflicting classifications of pathogenicity. Review status: criteria provided, conflicting classifications (1 of 4 stars). 5 submissions from 5 submitters: Uncertain significance (1); Likely benign (3). 1 of the submissions does not count toward it. Last evaluated 2025-09-02.

Conditions:
PCK1-related disorder. Also called: PCK1-related condition.
Phosphoenolpyruvate carboxykinase deficiency, cytosolic (PCKDC). Also called: PCK1 DEFICIENCY, CYTOSOLIC; PEPCK DEFICIENCY, CYTOSOLIC. Identifiers: Orphanet 2880, MedGen C5574905, MONDO:0009866, OMIM 261680.
Inborn genetic diseases. Identifiers: MedGen C0950123, MeSH D030342.

Allele frequency attached by ClinVar (database versions not stated): 1000 Genomes Project 0.00020; 1000 Genomes Project 30x 0.00031; TOPMed 0.00091; gnomAD 0.00098 and 0.00102; ExAC 0.00101; gnomAD exomes 0.00109 and 0.00151; ESP Exome Variant Server 0.00131.

Submissions (5):

Labcorp Genetics (formerly Invitae), Labcorp
Classification: Likely benign. Last evaluated: 2025-09-02. Review status: criteria provided, single submitter. Criteria: Invitae Variant Classification Sherloc (09022015). Collection method: clinical testing. Allele origin: germline.

Blueprint Genetics
Classification: Likely benign. Last evaluated: 2024-11-28. Review status: criteria provided, single submitter. Criteria: ACMG Guidelines, 2015. Collection method: clinical testing. Allele origin: germline.

Ambry Genetics
Classification: Likely benign for Inborn genetic diseases. Last evaluated: 2022-01-07. Review status: criteria provided, single submitter. Criteria: Ambry Variant Classification Scheme 2023. Collection method: clinical testing. Allele origin: germline.

Illumina Laboratory Services, Illumina
Classification: Uncertain significance for Phosphoenolpyruvate carboxykinase deficiency, cytosolic. Last evaluated: 2018-01-12. Review status: criteria provided, single submitter. Criteria: ICSL Variant Classification Criteria 13 December 2019. Collection method: clinical testing. Allele origin: germline.

PreventionGenetics, part of Exact Sciences
Classification: Likely benign for PCK1-related condition. Last evaluated: 2024-08-29. Review status: no assertion criteria provided. Collection method: clinical testing. Allele origin: germline. Not counted in ClinVar's aggregate classification.
Comment: This variant is classified as likely benign based on ACMG/AMP sequence variant interpretation guidelines (Richards et al. 2015 PMID: 25741868, with internal and published modifications).

NM_002591.4(PCK1):c.556G>A (p.Asp186Asn)

Gene: PCK1 (phosphoenolpyruvate carboxykinase 1; plus strand). Cytogenetic location: 20q13.31.
Variant type: single nucleotide variant.
Coding change: c.556G>A on transcript NM_002591.4 (MANE Select); coding-DNA position 556, G replaced by A.
Protein change: p.Asp186Asn; replaces aspartic acid 186 with asparagine.
Molecular consequence: missense variant.
Genome position (GRCh38, 1-based): chr20:57,562,845, G>A. VCF-style: chr20-57562845-G-A. GRCh37 (hg19) VCF-style: chr20-56137901-G-A.
Other names: short protein forms D186N.
Identifiers: ClinVar variation 338880 (VCV000338880.17), dbSNP rs11552146, ClinGen allele CA9922059.
Genomic context (GRCh38, chr20:57,562,845, plus strand): 5'-GTGGTGGCCAGCATGCGGATCATGACGCGGATGGGCACGCCCGTCCTGGAAGCAGTGGGC[G>A]ATGGGGAGTTTGTCAAATGCCTCCATTCTGTGGGGTGCCCTCTGCCTTTACAAAGTAAGT-3'
Protein context (NP_002582.3, residues 176-196): MGTPVLEAVG[Asp186Asn]GEFVKCLHSV